The following is an entry in ClinVar:

GRCh38/hg38 16p13.11-12.3(chr16:15060830-18212997)x3

Genes: MARF1 (meiosis regulator and mRNA stability factor 1; minus strand), MIR3179-2 (microRNA 3179-2; plus strand), MIR3180-2 (microRNA 3180-2; plus strand), MIR3180-4 (microRNA 3180-4), MIR3670-2 (microRNA 3670-2; plus strand) and 70 more. Cytogenetic location: 16p13.11-12.3.
Variant type: copy number gain.
Change: copy number 3 (three copies instead of two) of chr16:15,060,830-18,212,997 (3.15 Mb, GRCh38 coordinates, 1-based), cytogenetic band 16p13.11-12.3.
Identifiers: ClinVar variation 59270 (VCV000059270.1).

ClinVar aggregate classification (germline): Uncertain significance (1 of 4 stars; one submission).

Submission:

ISCA site 15
Classification: Uncertain significance. Last evaluated: 2011-08-12. Review status: criteria provided, single submitter. Criteria: Kaminsky et al. (Genet Med. 2011). Collection method: clinical testing. Allele origin: maternal. Affected: yes. Observed: 1 variant allele.
Comment: Copy number variation identified through the course of routine clinical cytogenomic testing in postnatal populations. Clinical assertions have been curated as described in Kaminsky et al. 2011.